The following is an entry in ClinVar:

ClinVar aggregate classification (germline): Likely benign. Review status: criteria provided, multiple submitters, no conflicts (2 of 4 stars). 2 submissions from 2 submitters: Likely benign (2). Last evaluated 2026-08-01.

Submissions (2):

CeGaT Center for Human Genetics Tuebingen
Classification: Likely benign. Last evaluated: 2026-08-01. Review status: criteria provided, single submitter. Criteria: CeGaT Center For Human Genetics Tuebingen Variant Classification Criteria Version 2. Collection method: clinical testing. Allele origin: germline. Affected: yes. Observed: 1 variant allele.
Comment: ATXN1: BS1

Blueprint Genetics
Classification: Likely benign. Last evaluated: 2024-11-01. Review status: criteria provided, single submitter. Criteria: ACMG Guidelines, 2015. Collection method: clinical testing. Allele origin: germline.

NM_001128164.2(ATXN1):c.588GCA[19] (p.Gln208_His209insGlnGlnGlnGlnGlnGln)

Genes: ATXN1 (ataxin 1; minus strand), LOC108663993 (ataxin 1 repeat instability region; plus strand). Cytogenetic location: 6p22.3.
Variant type: Microsatellite.
Coding change: c.588GCA[19] on transcript NM_001128164.2 (MANE Select); 19 copies in a row of the 3-base unit GCA starting at c.588; the reference has 13 copies in a row; six copies, 18 bases duplicated.
Protein change: p.Gln208_His209insGlnGlnGlnGlnGlnGln.
Molecular consequence: no sequence alteration (on NM_001357857.2).
Genome position (GRCh38, 1-based): chr6:16,327,685-16,327,702, TGCTGCTGCTGCTGCTGC duplicated on the plus strand (GCAGCAGCAGCAGCAGCA on the coding strand, the reverse complement: ATXN1 is on the minus strand); duplicating any 18 consecutive bases within chr6:16,327,685-16,327,724 gives the same sequence; the position shown is the placement nearest the transcript's 3' end. VCF-style (leftmost placement, unchanged base first): chr6-16327684-A-ATGCTGCTGCTGCTGCTGC. GRCh37 (hg19) VCF-style: chr6-16327915-A-ATGCTGCTGCTGCTGCTGC.
Other names: c.588GCA[19], p.Gln208_His209insGlnGlnGlnGlnGlnGln (NM_000332.4); c.*1GCA[19], p.Ter186= (NM_001357857.2).
Identifiers: ClinVar variation 4973854 (VCV004973854.2).